The following is an entry in ClinVar:

NM_000214.3(JAG1):c.3351G>C (p.Glu1117Asp)

Gene: JAG1 (jagged canonical Notch ligand 1; minus strand). Cytogenetic location: 20p12.2.
Variant type: single nucleotide variant.
Coding change: c.3351G>C on transcript NM_000214.3 (MANE Select); coding-DNA position 3351, G replaced by C.
Protein change: p.Glu1117Asp; replaces glutamic acid 1117 with aspartic acid.
Molecular consequence: missense variant.
Genome position (GRCh38, 1-based): chr20:10,639,804, C>G on the plus strand (G>C on the coding strand, the complement: JAG1 is on the minus strand). VCF-style: chr20-10639804-C-G. GRCh37 (hg19) VCF-style: chr20-10620452-C-G.
Other names: c.3351G>C, p.Glu1117Asp (LRG_1191t1); short protein forms E1117D.
Identifiers: ClinVar variation 598395 (VCV000598395.6), dbSNP rs1568790865, ClinGen allele CA408243286.
Genomic context (GRCh38, chr20:10,639,804, plus strand): 5'-CTTGATGGGGACCGTGTTGGCCCCATGTTTCTCAATGGGGTTTTTGATCTGGTTCAGCTG[C>G]TCCCGCACGTTGTTGGTGGTGTTGTCCTCAGAGGCTGAGTGTGTGTGGCTGCCCGGCTTC-3'
Protein context (NP_000205.1, residues 1107-1127): SEDNTTNNVR[Glu1117Asp]QLNQIKNPIE

ClinVar aggregate classification (germline): Uncertain significance. Review status: criteria provided, multiple submitters, no conflicts (2 of 4 stars). 2 submissions from 2 submitters: Uncertain significance (2). Last evaluated 2024-02-27.

Conditions:
Alagille syndrome due to a JAG1 point mutation. Also called: JAG1-Related Alagille Syndrome; HEPATIC DUCTULAR HYPOPLASIA, SYNDROMATIC; Alagille Syndrome 1. Identifiers: Orphanet 261619, Orphanet 52, MedGen C1956125, MONDO:0016862, OMIM 118450.

Submissions (2):

Illumina Laboratory Services, Illumina
Classification: Uncertain significance for Alagille syndrome due to a JAG1 point mutation. Last evaluated: 2024-02-27. Review status: criteria provided, single submitter. Criteria: ISL SNV Classification Criteria 03 February 2026. Collection method: clinical testing. Allele origin: unknown.
Comment: The JAG1 c.3351G>C p.(Glu1117Asp) missense variant has not, to our knowledge, been reported in the peer-reviewed literature. This variant is not observed at a significant frequency in version 2.1.1 or version 4.0.0 of the Genome Aggregation Database. Based on the available evidence, the c.3351G>C p.(Glu1117Asp) variant is classified as a variant of uncertain significance for Alagille syndrome.

Eurofins Ntd Llc (ga)
Classification: Uncertain significance. Last evaluated: 2018-08-14. Review status: criteria provided, single submitter. Criteria: EGL ClinVar v180209 classification definitions. Collection method: clinical testing. Allele origin: germline. Observed: 1 variant allele, 1 heterozygote.